The following is an entry in ClinVar:

NM_182961.4(SYNE1):c.18264T>G (p.Tyr6088Ter)

Gene: SYNE1 (spectrin repeat containing nuclear envelope protein 1; minus strand). Cytogenetic location: 6q25.2.
Variant type: single nucleotide variant.
Coding change: c.18264T>G on transcript NM_182961.4 (MANE Select); coding-DNA position 18264, T replaced by G.
Protein change: p.Tyr6088Ter; replaces tyrosine 6088 with a stop codon.
Molecular consequence: nonsense.
Genome position (GRCh38, 1-based): chr6:152,281,924, A>C on the plus strand (T>G on the coding strand, the complement: SYNE1 is on the minus strand). VCF-style: chr6-152281924-A-C. GRCh37 (hg19) VCF-style: chr6-152603059-A-C.
Other names: c.18051T>G, p.Tyr6017Ter (NM_033071.5); short protein forms Y6017*, Y6088*.
Identifiers: ClinVar variation 3344901 (VCV003344901.1).

ClinVar aggregate classification (germline): Likely pathogenic (0 of 4 stars; one submission).

Conditions:
SYNE1-related disorder. Also called: SYNE1-related disease; SYNE1-related condition; SYNE1-related disorders.

Submission:

PreventionGenetics, part of Exact Sciences
Classification: Likely pathogenic for SYNE1-related condition. Last evaluated: 2024-06-12. Review status: no assertion criteria provided. Collection method: clinical testing. Allele origin: germline.
Comment: The SYNE1 c.18051T>G variant is predicted to result in premature protein termination (p.Tyr6017*). To our knowledge, this variant has not been reported in the literature or in a large population database, indicating this variant is rare. Nonsense variants in SYNE1 are expected to be pathogenic. This variant is interpreted as likely pathogenic.